The following is an entry in ClinVar:

NM_032485.6(MCM8):c.2059C>T (p.Arg687Ter)

Gene: MCM8 (minichromosome maintenance 8 homologous recombination repair factor; plus strand). Cytogenetic location: 20p12.3.
Variant type: single nucleotide variant.
Coding change: c.2059C>T on transcript NM_032485.6 (MANE Select); coding-DNA position 2059, C replaced by T.
Protein change: p.Arg687Ter; replaces arginine 687 with a stop codon.
Molecular consequence: nonsense.
Genome position (GRCh38, 1-based): chr20:5,986,027, C>T. VCF-style: chr20-5986027-C-T. GRCh37 (hg19) VCF-style: chr20-5966673-C-T.
Other names: c.2059C>T, p.Arg687Ter (NM_001281520.2); c.2179C>T, p.Arg727Ter (NM_001281521.2); c.1918C>T, p.Arg640Ter (NM_001281522.2); c.2011C>T, p.Arg671Ter (NM_182802.3); short protein forms R640*, R671*, R687*, R727*.
Identifiers: ClinVar variation 1049848 (VCV001049848.1), dbSNP rs140773345, ClinGen allele CA9756996.

ClinVar aggregate classification (germline): Pathogenic (0 of 4 stars; one submission).

Conditions:
Premature ovarian failure 10 (POF10). Identifiers: MedGen C4225402, MONDO:0044776, OMIM 612885.

Allele frequency attached by ClinVar (database versions not stated): ESP Exome Variant Server 0.00015.
gnomAD v4.1: 66 of 1,614,022 alleles (0.0041%); highest among the groups gnomAD compares: African/African-American, 0.0067%; no homozygotes.

Submission:

Department of Pathology and Laboratory Medicine, Sinai Health System
Classification: Pathogenic for Premature ovarian failure 10. Review status: no assertion criteria provided. Collection method: clinical testing. Allele origin: unknown. Affected: yes. Study: The Canadian Open Genetics Repository (COGR).
Comment: The variant MCM8:c.2179C>T (p.Arg727*) was not identified in the literature. The variant was identified in dbSNP (ID: rs140773345). The variant was identified in control databases in 10 of 282,854 chromosomes (0 homozygous), and was observed at the highest frequency in the European-Non Finnish (NFE) population in 200 of 15,430 chromosomes (freq: 0.013%) (Genome Aggregation Database March 6, 2019, v.2.1.1). The p.Arg727* variant leads to a premature stop codon at position 727 which is predicted to lead to a truncated or absent protein and loss of function. Loss of function variants of the MCM8 gene are an established mechanism of disease in ovarian failure and is the type of variant expected to cause the disorder. The variant occurs outside of the splicing consensus sequence and in silico or computational prediction software programs (Splice AI exome) do not predict a deleterious effect on splicing. In summary, based on the above information this variant meets our laboratoryâ€šÃ„Ã´s criteria to be classified as pathogenic.